The following is an entry in ClinVar:

NM_001927.4(DES):c.1171del (p.Leu391fs)

Gene: DES (desmin; plus strand). Cytogenetic location: 2q35.
Variant type: Deletion.
Coding change: c.1171del on transcript NM_001927.4 (MANE Select); coding-DNA position 1171, one base deleted (C; older notation c.1171delC).
Protein change: p.Leu391fs; shifts the reading frame from leucine 391.
Molecular consequence: frameshift variant.
Genome position (GRCh38, 1-based): chr2:219,421,487, C deleted; the last of 2 consecutive C bases (chr2:219,421,486-219,421,487); deleting either gives the same sequence. VCF-style (leftmost placement, unchanged base first): chr2-219421485-AC-A. GRCh37 (hg19) VCF-style: chr2-220286207-AC-A.
Other names: c.1168del, p.Leu390fs (NM_001382708.1); c.739del, p.Leu247fs (NM_001382709.1); c.1102del, p.Leu368fs (NM_001382710.1); c.1150del, p.Leu384fs (NM_001382711.1); c.1171del, p.Leu391fs (NM_001382712.1); c.901del, p.Leu301fs (NM_001382713.1); short protein forms L247fs, L301fs, L384fs, L390fs, L391fs, L368fs.
Identifiers: ClinVar variation 1988221 (VCV001988221.4), dbSNP rs2545255266, ClinGen allele CA2580065864.

ClinVar aggregate classification (germline): Pathogenic (1 of 4 stars; one submission).

Conditions:
Desmin-related myofibrillar myopathy (MFM1). Also called: DESMIN-RELATED MYOPATHY WITH ARRHYTHMOGENIC RIGHT VENTRICULAR CARDIOMYOPATHY; MYOFIBRILLAR MYOPATHY WITH ARRHYTHMOGENIC RIGHT VENTRICULAR CARDIOMYOPATHY; Desminopathy; Desmin related myopathy (former name); Desmin storage myopathy (former name); Myofibrillar myopathy 1. Identifiers: Orphanet 363543, Orphanet 98909, MedGen C1832370, MONDO:0011076, OMIM 601419.

Submission:

Labcorp Genetics (formerly Invitae), Labcorp
Classification: Pathogenic for Desmin-related myofibrillar myopathy. Last evaluated: 2022-09-12. Review status: criteria provided, single submitter. Criteria: Invitae Variant Classification Sherloc (09022015). Collection method: clinical testing. Allele origin: germline.
Comment: For these reasons, this variant has been classified as Pathogenic. This variant has not been reported in the literature in individuals affected with DES-related conditions. This variant is not present in population databases (gnomAD no frequency). This sequence change creates a premature translational stop signal (p.Leu391Cysfs*4) in the DES gene. It is expected to result in an absent or disrupted protein product. Loss-of-function variants in DES are known to be pathogenic (PMID: 23575897).

Literature cited by the submitters: PubMed 23575897.